The following is an entry in ClinVar:

NM_006267.5(RANBP2):c.3613G>T (p.Asp1205Tyr)

Gene: RANBP2 (RAN binding protein 2; plus strand). Cytogenetic location: 2q13.
Variant type: single nucleotide variant.
Coding change: c.3613G>T on transcript NM_006267.5 (MANE Select); coding-DNA position 3613, G replaced by T.
Protein change: p.Asp1205Tyr; replaces aspartic acid 1205 with tyrosine.
Molecular consequence: missense variant.
Genome position (GRCh38, 1-based): chr2:108,764,152, G>T. VCF-style: chr2-108764152-G-T. GRCh37 (hg19) VCF-style: chr2-109380608-G-T.
Other names: short protein forms D1205Y.
Identifiers: ClinVar variation 1311993 (VCV001311993.2), dbSNP rs936822747, ClinGen allele CA53453407.

ClinVar aggregate classification (germline): Uncertain significance (1 of 4 stars; one submission).

Allele frequency attached by ClinVar (database versions not stated): TOPMed 0.00002.
gnomAD v4.1: 3 of 1,613,922 alleles (0.00019%); highest among the groups gnomAD compares: African/African-American, 0.0027%; no homozygotes.

Submission:

GeneDx
Classification: Uncertain significance. Last evaluated: 2020-01-09. Review status: criteria provided, single submitter. Criteria: GeneDx Variant Classification Process June 2021. Collection method: clinical testing. Allele origin: germline. Affected: yes.
Comment: Not observed in large population cohorts (Lek et al., 2016); In silico analysis, which includes protein predictors and evolutionary conservation, supports a deleterious effect; Has not been previously published as pathogenic or benign to our knowledge